The following is an entry in ClinVar:

ClinVar aggregate classification (germline): Uncertain significance (0 of 4 stars; one submission).

Conditions:
SHANK3-related disorder. Also called: SHANK3-related condition.

Submission:

PreventionGenetics, part of Exact Sciences
Classification: Uncertain significance for SHANK3-related condition. Last evaluated: 2024-08-06. Review status: no assertion criteria provided. Collection method: clinical testing. Allele origin: germline.
Comment: The SHANK3 c.3419G>A variant is predicted to result in the amino acid substitution p.Gly1140Glu. To our knowledge, this variant has not been reported in the literature. This variant is reported in 0.0019% of alleles in individuals of European (Non-Finnish) descent in gnomAD. At this time, the clinical significance of this variant is uncertain due to the absence of conclusive functional and genetic evidence.

NM_001372044.2(SHANK3):c.3644G>A (p.Gly1215Glu)

Gene: SHANK3 (SH3 and multiple ankyrin repeat domains 3; plus strand). Cytogenetic location: 22q13.33.
Variant type: single nucleotide variant.
Coding change: c.3644G>A on transcript NM_001372044.2 (MANE Select); coding-DNA position 3644, G replaced by A.
Protein change: p.Gly1215Glu; replaces glycine 1215 with glutamic acid.
Molecular consequence: missense variant.
Genome position (GRCh38, 1-based): chr22:50,721,252, G>A. VCF-style: chr22-50721252-G-A. GRCh37 (hg19) VCF-style: chr22-51159680-G-A.
Other names: c.3419G>A (NM_033517.1); short protein forms G1215E.
Identifiers: ClinVar variation 3347346 (VCV003347346.1).
Genomic context (GRCh38, chr22:50,721,252, plus strand): 5'-CCTCCCAGGCGCCCTCCCGGTCCCCCACACCCGTGCACAGTCCCGACGCCGACCGCCCCG[G>A]ACCCCTGTTTGTGGATGTACAGGCCCGGGACCCAGAGCGAGGGTCCCTGGCTTCCCCGGC-3'
Protein context (NP_001358973.1, residues 1205-1225): PVHSPDADRP[Gly1215Glu]PLFVDVQARD